The following is an entry in ClinVar:

ClinVar aggregate classification (germline): Uncertain significance. Review status: criteria provided, multiple submitters, no conflicts (2 of 4 stars). 2 submissions from 2 submitters: Uncertain significance (2). Last evaluated 2025-03-18.

gnomAD v4.1: 71 of 1,613,992 alleles (0.0044%); highest among the groups gnomAD compares: South Asian, 0.077%; 2 homozygotes.

Submissions (2):

Ambry Genetics
Classification: Uncertain significance. Last evaluated: 2025-03-18. Review status: criteria provided, single submitter. Criteria: Ambry Variant Classification Scheme 2023. Collection method: clinical testing. Allele origin: germline.

Labcorp Genetics (formerly Invitae), Labcorp
Classification: Uncertain significance. Last evaluated: 2022-03-18. Review status: criteria provided, single submitter. Criteria: Invitae Variant Classification Sherloc (09022015). Collection method: clinical testing. Allele origin: germline.
Comment: In summary, the available evidence is currently insufficient to determine the role of this variant in disease. Therefore, it has been classified as a Variant of Uncertain Significance. Algorithms developed to predict the effect of missense changes on protein structure and function are either unavailable or do not agree on the potential impact of this missense change (SIFT: "Deleterious"; PolyPhen-2: "Possibly Damaging"; Align-GVGD: "Class C0"). This variant has not been reported in the literature in individuals affected with LIG1-related conditions. This variant is present in population databases (rs548077697, gnomAD 0.1%), including at least one homozygous and/or hemizygous individual. This sequence change replaces serine, which is neutral and polar, with arginine, which is basic and polar, at codon 787 of the LIG1 protein (p.Ser787Arg).

NM_000234.3(LIG1):c.2359A>C (p.Ser787Arg)

Gene: LIG1 (DNA ligase 1; minus strand). Cytogenetic location: 19q13.33.
Variant type: single nucleotide variant.
Coding change: c.2359A>C on transcript NM_000234.3 (MANE Select); coding-DNA position 2359, A replaced by C.
Protein change: p.Ser787Arg; replaces serine 787 with arginine.
Molecular consequence: missense variant. On other transcripts: non-coding transcript variant (6).
Genome position (GRCh38, 1-based): chr19:48,121,196, T>G on the plus strand (A>C on the coding strand, the complement: LIG1 is on the minus strand). VCF-style: chr19-48121196-T-G. GRCh37 (hg19) VCF-style: chr19-48624453-T-G.
Other names: c.2266A>C, p.Ser756Arg (NM_001289063.2); c.2155A>C, p.Ser719Arg (NM_001289064.2); c.2356A>C, p.Ser786Arg (NM_001320970.2); c.2269A>C, p.Ser757Arg (NM_001320971.2); short protein forms S756R, S786R, S719R, S757R, S787R.
Identifiers: ClinVar variation 2085229 (VCV002085229.4), dbSNP rs548077697, ClinGen allele CA9546450.
Genomic context (GRCh38, chr19:48,121,196, plus strand): 5'-CCTGCTTCTGCCATCAGCCCCAGTTCCCCAGGACCTTGCATATGGCCTGCAGCTCCTCAC[T>G]GTCCTCGTCGTAGGAGGCCAGCAGGAAGCCCCCGTACCGGCCGGCCCGCTTCCCCCGGCC-3'
Protein context (NP_000225.1, residues 777-797): GFLLASYDED[Ser787Arg]EELQAICKLG